The following is an entry in ClinVar:

ClinVar aggregate classification (germline): Conflicting classifications of pathogenicity. Review status: criteria provided, conflicting classifications (1 of 4 stars). 3 submissions from 3 submitters: Uncertain significance (2); Benign (1). Last evaluated 2026-03-05.

Conditions:
Kabuki syndrome 1 (KABUK1). Also called: KMT2D-Related Kabuki Syndrome. Identifiers: Orphanet 2322, MedGen CN030661, MONDO:0007843, OMIM 147920.
Choanal atresia-athelia-hypothyroidism-delayed puberty-short stature syndrome (BCAHH). Also called: BRANCHIAL ARCH ABNORMALITIES, CHOANAL ATRESIA, ATHELIA, HEARING LOSS, AND HYPOTHYROIDISM SYNDROME. Identifiers: Orphanet 589856, MedGen C5680310, MONDO:0035651, OMIM 620186.
Kabuki syndrome. Also called: NIIKAWA-KUROKI SYNDROME; Kabuki make-up syndrome. Identifiers: Orphanet 2322, MedGen C0796004, MONDO:0016512.
KMT2D-related disorder. Also called: KMT2D-Related Disorders.

Allele frequency attached by ClinVar (database versions not stated): gnomAD exomes 0.00001; ExAC 0.00003; gnomAD 0.00005; TOPMed 0.00012; ESP Exome Variant Server 0.00016.
gnomAD v4.1: 25 of 1,613,584 alleles (0.0015%); highest among the groups gnomAD compares: African/African-American, 0.031%; no homozygotes.

Submissions (3):

PreventionGenetics, part of Exact Sciences
Classification: Uncertain significance for KMT2D-related condition. Last evaluated: 2026-03-05. Review status: criteria provided, single submitter. Criteria: ACMG Guidelines, 2015. Collection method: clinical testing. Allele origin: germline.
Comment: The KMT2D c.1193G>A variant is predicted to result in the amino acid substitution p.Gly398Asp. To our knowledge, this variant has not been reported in the literature. This variant is reported in 0.025% of alleles in individuals of African descent in gnomAD. Although we suspect that this variant may be benign, at this time, the clinical significance of this variant is uncertain due to the absence of conclusive functional and genetic evidence.

Labcorp Genetics (formerly Invitae), Labcorp
Classification: Benign for Kabuki syndrome. Last evaluated: 2025-10-11. Review status: criteria provided, single submitter. Criteria: Invitae Variant Classification Sherloc (09022015). Collection method: clinical testing. Allele origin: germline.

Fulgent Genetics
Classification: Uncertain significance for Kabuki syndrome 1; Choanal atresia-athelia-hypothyroidism-delayed puberty-short stature syndrome. Last evaluated: 2024-02-20. Review status: criteria provided, single submitter. Criteria: ACMG Guidelines, 2015. Collection method: clinical testing. Allele origin: germline.

NM_003482.4(KMT2D):c.1193G>A (p.Gly398Asp)

Gene: KMT2D (lysine methyltransferase 2D; minus strand). Cytogenetic location: 12q13.12.
Variant type: single nucleotide variant.
Coding change: c.1193G>A on transcript NM_003482.4 (MANE Select); coding-DNA position 1193, G replaced by A.
Protein change: p.Gly398Asp; replaces glycine 398 with aspartic acid.
Molecular consequence: missense variant.
Genome position (GRCh38, 1-based): chr12:49,052,629, C>T on the plus strand (G>A on the coding strand, the complement: KMT2D is on the minus strand). VCF-style: chr12-49052629-C-T. GRCh37 (hg19) VCF-style: chr12-49446412-C-T.
Other names: short protein forms G398D.
Identifiers: ClinVar variation 2771565 (VCV002771565.5), dbSNP rs374523376, ClinGen allele CA6548550.
Genomic context (GRCh38, chr12:49,052,629, plus strand): 5'-GGTTTGGCTTCACATTGCAGGGGCCCTGGTTCCTTGGGTTGCATAGAGGTCACGTGCCCA[C>T]CCTTTGGCTGCCCTTGGCATGCAACGTACAGAGCATCGGGCTCGTCAGTGGGGGTATCGC-3'
Protein context (NP_003473.3, residues 388-408): LYVACQGQPK[Gly398Asp]GHVTSMQPKE